The following is an entry in ClinVar:

ClinVar aggregate classification (germline): Uncertain significance. Review status: criteria provided, multiple submitters, no conflicts (2 of 4 stars). 2 submissions from 2 submitters: Uncertain significance (2). Last evaluated 2024-04-10.

Conditions:
Autosomal dominant hypophosphatemic rickets (ADHR). Also called: HYPOPHOSPHATEMIA, AUTOSOMAL DOMINANT; VITAMIN D-RESISTANT RICKETS, AUTOSOMAL DOMINANT. Identifiers: Orphanet 89937, MedGen C0342642, MONDO:0008660, OMIM 193100.
Tumoral calcinosis, hyperphosphatemic, familial, 2. Identifiers: MedGen C4693863, MONDO:0060714, OMIM 617993.

Allele frequency attached by ClinVar (database versions not stated): ExAC 0.00003; gnomAD 0.00003; TOPMed 0.00003; gnomAD exomes 0.00004.

Submissions (2):

Fulgent Genetics
Classification: Uncertain significance for Autosomal dominant hypophosphatemic rickets; Tumoral calcinosis, hyperphosphatemic, familial, 2. Last evaluated: 2024-04-10. Review status: criteria provided, single submitter. Criteria: ACMG Guidelines, 2015. Collection method: clinical testing. Allele origin: germline.

Labcorp Genetics (formerly Invitae), Labcorp
Classification: Uncertain significance. Last evaluated: 2023-10-13. Review status: criteria provided, single submitter. Criteria: Invitae Variant Classification Sherloc (09022015). Collection method: clinical testing. Allele origin: germline.
Comment: This sequence change replaces glutamic acid, which is acidic and polar, with lysine, which is basic and polar, at codon 214 of the FGF23 protein (p.Glu214Lys). This variant is present in population databases (rs767171941, gnomAD 0.007%). This variant has not been reported in the literature in individuals affected with FGF23-related conditions. Advanced modeling of protein sequence and biophysical properties (such as structural, functional, and spatial information, amino acid conservation, physicochemical variation, residue mobility, and thermodynamic stability) has been performed at Invitae for this missense variant, however the output from this modeling did not meet the statistical confidence thresholds required to predict the impact of this variant on FGF23 protein function. In summary, the available evidence is currently insufficient to determine the role of this variant in disease. Therefore, it has been classified as a Variant of Uncertain Significance.

NM_020638.3(FGF23):c.640G>A (p.Glu214Lys)

Gene: FGF23 (fibroblast growth factor 23; minus strand). Cytogenetic location: 12p13.32.
Variant type: single nucleotide variant.
Coding change: c.640G>A on transcript NM_020638.3 (MANE Select); coding-DNA position 640, G replaced by A.
Protein change: p.Glu214Lys; replaces glutamic acid 214 with lysine.
Molecular consequence: missense variant.
Genome position (GRCh38, 1-based): chr12:4,370,459, C>T on the plus strand (G>A on the coding strand, the complement: FGF23 is on the minus strand). VCF-style: chr12-4370459-C-T. GRCh37 (hg19) VCF-style: chr12-4479625-C-T.
Other names: short protein forms E214K.
Identifiers: ClinVar variation 2885798 (VCV002885798.4), dbSNP rs767171941, ClinGen allele CA6395629.